The following is an entry in ClinVar:

ClinVar aggregate classification (germline): Uncertain significance (1 of 4 stars; one submission).

gnomAD v4.1: 1 of 1,200,249 alleles (0.000083%); highest among the groups gnomAD compares: Non-Finnish European, 0.00011%; no homozygotes.

Submission:

GeneDx
Classification: Uncertain significance. Last evaluated: 2024-12-30. Review status: criteria provided, single submitter. Criteria: GeneDx Variant Classification Process June 2021. Collection method: clinical testing. Allele origin: germline. Affected: yes.
Comment: Not observed at significant frequency in large population cohorts (gnomAD); In silico analysis indicates that this missense variant does not alter protein structure/function; Has not been previously published as pathogenic or benign to our knowledge

NM_001323289.2(CDKL5):c.2192A>G (p.Asn731Ser)

Gene: CDKL5 (cyclin dependent kinase like 5; plus strand). Cytogenetic location: Xp22.13.
Variant type: single nucleotide variant.
Coding change: c.2192A>G on transcript NM_001323289.2 (MANE Select); coding-DNA position 2192, A replaced by G.
Protein change: p.Asn731Ser; replaces asparagine 731 with serine.
Molecular consequence: missense variant.
Genome position (GRCh38, 1-based): chrX:18,613,191, A>G. VCF-style: chrX-18613191-A-G. GRCh37 (hg19) VCF-style: chrX-18631311-A-G.
Other names: c.2192A>G, p.Asn731Ser (NM_001037343.2, NM_003159.3); short protein forms N731S.
Identifiers: ClinVar variation 3908073 (VCV003908073.1).